The following is an entry in ClinVar:

NM_030962.4(SBF2):c.4522C>G (p.Arg1508Gly)

Genes: SBF2 (SET binding factor 2; minus strand), SBF2-AS1 (SBF2 antisense RNA 1; plus strand). Cytogenetic location: 11p15.4.
Variant type: single nucleotide variant.
Coding change: c.4522C>G on transcript NM_030962.4 (MANE Select); coding-DNA position 4522, C replaced by G.
Protein change: p.Arg1508Gly; replaces arginine 1508 with glycine.
Molecular consequence: missense variant.
Genome position (GRCh38, 1-based): chr11:9,795,879, G>C on the plus strand (C>G on the coding strand, the complement: SBF2 is on the minus strand). VCF-style: chr11-9795879-G-C. GRCh37 (hg19) VCF-style: chr11-9817426-G-C.
Other names: c.4618C>G, p.Arg1540Gly (NM_001386339.1); c.4393C>G, p.Arg1465Gly (NM_001386342.1); short protein forms R1508G, R1465G, R1540G.
Identifiers: ClinVar variation 955664 (VCV000955664.10), dbSNP rs141108330, ClinGen allele CA379636472.

ClinVar aggregate classification (germline): Uncertain significance (1 of 4 stars; one submission).

Conditions:
Charcot-Marie-Tooth disease type 4. Also called: Charcot-Marie-Tooth disease, type IV; Charcot-Marie-Tooth, Type 4. Identifiers: Orphanet 64749, MedGen C4082197, MONDO:0018995.

Submission:

Labcorp Genetics (formerly Invitae), Labcorp
Classification: Uncertain significance for Charcot-Marie-Tooth disease type 4. Last evaluated: 2019-10-23. Review status: criteria provided, single submitter. Criteria: Invitae Variant Classification Sherloc (09022015). Collection method: clinical testing. Allele origin: germline.
Comment: This sequence change replaces arginine with glycine at codon 1508 of the SBF2 protein (p.Arg1508Gly). The arginine residue is highly conserved and there is a moderate physicochemical difference between arginine and glycine. This variant is not present in population databases (ExAC no frequency). This variant has not been reported in the literature in individuals with SBF2-related conditions. Algorithms developed to predict the effect of missense changes on protein structure and function are either unavailable or do not agree on the potential impact of this missense change (SIFT: "Tolerated"; PolyPhen-2: "Possibly Damaging"; Align-GVGD: "Class C0"). In summary, the available evidence is currently insufficient to determine the role of this variant in disease. Therefore, it has been classified as a Variant of Uncertain Significance.